The following is an entry in ClinVar:

NM_004560.4(ROR2):c.1790C>T (p.Ala597Val)

Gene: ROR2 (receptor tyrosine kinase like orphan receptor 2; minus strand). Cytogenetic location: 9q22.31.
Variant type: single nucleotide variant.
Coding change: c.1790C>T on transcript NM_004560.4 (MANE Select); coding-DNA position 1790, C replaced by T.
Protein change: p.Ala597Val; replaces alanine 597 with valine.
Molecular consequence: missense variant.
Genome position (GRCh38, 1-based): chr9:91,724,704, G>A on the plus strand (C>T on the coding strand, the complement: ROR2 is on the minus strand). VCF-style: chr9-91724704-G-A. GRCh37 (hg19) VCF-style: chr9-94486986-G-A.
Other names: short protein forms A597V.
Identifiers: ClinVar variation 4629310 (VCV004629310.2).
Genomic context (GRCh38, chr9:91,724,704, plus strand): 5'-GCCAGGTCCTTGTGAACCACGTGGTGGCTGGATAGGTACTCCATCCCCGCCGCGATCTGT[G>A]CCACAAGGTGCACGAAGTCGGGGGGCTCCAGGGCGGACTTCACCGTGCGGTCATCATCGG-3'
Protein context (NP_004551.2, residues 587-607): LEPPDFVHLV[Ala597Val]QIAAGMEYLS

ClinVar aggregate classification (germline): Uncertain significance. Review status: criteria provided, multiple submitters, no conflicts (2 of 4 stars). 2 submissions from 2 submitters: Uncertain significance (2). Last evaluated 2025-10-28.

Conditions:
Inborn genetic diseases. Identifiers: MedGen C0950123, MeSH D030342.

Submissions (2):

Ambry Genetics
Classification: Uncertain significance for Inborn genetic diseases. Last evaluated: 2025-10-28. Review status: criteria provided, single submitter. Criteria: Ambry Variant Classification Scheme 2023. Collection method: clinical testing. Allele origin: germline.

Labcorp Genetics (formerly Invitae), Labcorp
Classification: Uncertain significance. Last evaluated: 2025-08-24. Review status: criteria provided, single submitter. Criteria: Invitae Variant Classification Sherloc (09022015). Collection method: clinical testing. Allele origin: germline.
Comment: This sequence change replaces alanine, which is neutral and non-polar, with valine, which is neutral and non-polar, at codon 597 of the ROR2 protein (p.Ala597Val). This variant is not present in population databases (gnomAD no frequency). This variant has not been reported in the literature in individuals affected with ROR2-related conditions. Invitae Evidence Modeling of protein sequence and biophysical properties (such as structural, functional, and spatial information, amino acid conservation, physicochemical variation, residue mobility, and thermodynamic stability) indicates that this missense variant is not expected to disrupt ROR2 protein function with a negative predictive value of 80%. In summary, the available evidence is currently insufficient to determine the role of this variant in disease. Therefore, it has been classified as a Variant of Uncertain Significance.